The following is an entry in ClinVar:

ClinVar aggregate classification (germline): Uncertain significance (1 of 4 stars; one submission).

Conditions:
CEP290-related disorder. Also called: CEP290-related condition; CEP290-related disorders. Identifiers: MedGen CN239314.

gnomAD v4.1: 1 of 1,613,844 alleles (0.000062%); highest among the groups gnomAD compares: African/African-American, 0.0013%; no homozygotes.

Submission:

PreventionGenetics, part of Exact Sciences
Classification: Uncertain significance for CEP290-related condition. Last evaluated: 2025-10-15. Review status: criteria provided, single submitter. Criteria: ACMG Guidelines, 2015. Collection method: clinical testing. Allele origin: germline.
Comment: The CEP290 c.3710G>C variant is predicted to result in the amino acid substitution p.Arg1237Pro. To our knowledge, this variant has not been reported in the literature or in a large population database (gnomAD), indicating this variant is rare. At this time, the clinical significance of this variant is uncertain due to the absence of conclusive functional and genetic evidence.

NM_025114.4(CEP290):c.3710G>C (p.Arg1237Pro)

Gene: CEP290 (centrosomal protein 290; minus strand). Cytogenetic location: 12q21.32.
Variant type: single nucleotide variant.
Coding change: c.3710G>C on transcript NM_025114.4 (MANE Select); coding-DNA position 3710, G replaced by C.
Protein change: p.Arg1237Pro; replaces arginine 1237 with proline.
Molecular consequence: missense variant.
Genome position (GRCh38, 1-based): chr12:88,089,351, C>G on the plus strand (G>C on the coding strand, the complement: CEP290 is on the minus strand). VCF-style: chr12-88089351-C-G. GRCh37 (hg19) VCF-style: chr12-88483128-C-G.
Other names: short protein forms R1237P.
Identifiers: ClinVar variation 4995786 (VCV004995786.1).